The following is an entry in ClinVar:

ClinVar aggregate classification (germline): Benign (1 of 4 stars; one submission).

Conditions:
Seizures, benign familial neonatal, 2. Also called: Benign Neonatal Epilepsy 2; CONVULSIONS, BENIGN FAMILIAL NEONATAL, 2; KCNQ3-Related Benign Familial Neonatal Epilepsy; KCNQ3-Related Self-Limited Familial Neonatal Epilepsy (SLFNE); Seizures, benign neonatal, 2. Identifiers: Orphanet 1949, MedGen C1852581, MONDO:0007366, OMIM 121201.

Allele frequency attached by ClinVar (database versions not stated): gnomAD 0.00421 and 0.00457; TOPMed 0.00439; 1000 Genomes Project 0.00399; 1000 Genomes Project 30x 0.00422.

Submission:

Illumina Laboratory Services, Illumina
Classification: Benign for Seizures, benign familial neonatal, 2. Last evaluated: 2018-01-13. Review status: criteria provided, single submitter. Criteria: ICSL Variant Classification Criteria 13 December 2019. Collection method: clinical testing. Allele origin: germline.
Comment: This variant was observed in the ICSL laboratory as part of a predisposition screen in an ostensibly healthy population. It had not been previously curated by ICSL or reported in the Human Gene Mutation Database (HGMD: prior to June 1st, 2018), and was therefore a candidate for classification through an automated scoring system. Utilizing variant allele frequency, disease prevalence and penetrance estimates, and inheritance mode, an automated score was calculated to assess if this variant is too frequent to cause the disease. Based on the score and internal cut-off values, a variant classified as benign is not then subjected to further curation. The score for this variant resulted in a classification of benign for this disease.

NM_004519.4(KCNQ3):c.*4279C>T

Gene: KCNQ3 (potassium voltage-gated channel subfamily Q member 3; minus strand). Cytogenetic location: 8q24.22.
Variant type: single nucleotide variant.
Coding change: c.*4279C>T on transcript NM_004519.4 (MANE Select); 4279 bases downstream of the stop codon, C replaced by T.
Molecular consequence: 3 prime UTR variant.
Genome position (GRCh38, 1-based): chr8:132,124,983, G>A on the plus strand (C>T on the coding strand, the complement: KCNQ3 is on the minus strand). VCF-style: chr8-132124983-G-A. GRCh37 (hg19) VCF-style: chr8-133137230-G-A.
Other names: c.*4279C>T (NM_001204824.2).
Identifiers: ClinVar variation 908629 (VCV000908629.4), dbSNP rs180880378, ClinGen allele CA185429641.